The following is an entry in ClinVar:

ClinVar aggregate classification (germline): Uncertain significance. Review status: criteria provided, multiple submitters, no conflicts (2 of 4 stars). 3 submissions from 3 submitters: Uncertain significance (3). Last evaluated 2026-03-06.

Conditions:
RP1L1-related disorder. Also called: RP1L1-related condition.
Inborn genetic diseases. Identifiers: MedGen C0950123, MeSH D030342.

gnomAD v4.1: 96 of 1,613,334 alleles (0.006%); highest among the groups gnomAD compares: Non-Finnish European, 0.007%; no homozygotes.

Submissions (3):

PreventionGenetics, part of Exact Sciences
Classification: Uncertain significance for RP1L1-related condition. Last evaluated: 2026-03-06. Review status: criteria provided, single submitter. Criteria: ACMG Guidelines, 2015. Collection method: clinical testing. Allele origin: germline.
Comment: The RP1L1 c.4375G>A variant is predicted to result in the amino acid substitution p.Glu1459Lys. To our knowledge, this variant has not been reported in the literature. This variant is reported in 0.0036% of alleles in individuals of European (Non-Finnish) descent in gnomAD. At this time, the clinical significance of this variant is uncertain due to the absence of conclusive functional and genetic evidence.

Ambry Genetics
Classification: Uncertain significance for Inborn genetic diseases. Last evaluated: 2024-12-25. Review status: criteria provided, single submitter. Criteria: Ambry Variant Classification Scheme 2023. Collection method: clinical testing. Allele origin: germline.

Blueprint Genetics
Classification: Uncertain significance. Last evaluated: 2018-04-21. Review status: criteria provided, single submitter. Criteria: ACMG Guidelines, 2015. Collection method: clinical testing. Allele origin: germline.

NM_178857.6(RP1L1):c.4375G>A (p.Glu1459Lys)

Gene: RP1L1 (RP1 like 1). Cytogenetic location: 8p23.1.
Variant type: single nucleotide variant.
Coding change: c.4375G>A on transcript NM_178857.6 (MANE Select); coding-DNA position 4375, G replaced by A.
Protein change: p.Glu1459Lys; replaces glutamic acid 1459 with lysine.
Molecular consequence: missense variant.
Genome position (GRCh38, 1-based): chr8:10,609,723, C>T on the plus strand (G>A on the coding strand, the complement: RP1L1 is on the minus strand). VCF-style: chr8-10609723-C-T. GRCh37 (hg19) VCF-style: chr8-10467233-C-T.
Other names: short protein forms E1459K.
Identifiers: ClinVar variation 3790221 (VCV003790221.3).